The following is an entry in ClinVar:

ClinVar aggregate classification (germline): Uncertain significance (1 of 4 stars; one submission).

Submission:

Labcorp Genetics (formerly Invitae), Labcorp
Classification: Uncertain significance. Last evaluated: 2025-09-03. Review status: criteria provided, single submitter. Criteria: Invitae Variant Classification Sherloc (09022015). Collection method: clinical testing. Allele origin: germline.
Comment: This sequence change replaces methionine, which is neutral and non-polar, with isoleucine, which is neutral and non-polar, at codon 362 of the CETP protein (p.Met362Ile). This variant is not present in population databases (gnomAD no frequency). This variant has not been reported in the literature in individuals affected with CETP-related conditions. Invitae Evidence Modeling of protein sequence and biophysical properties (such as structural, functional, and spatial information, amino acid conservation, physicochemical variation, residue mobility, and thermodynamic stability) indicates that this missense variant is not expected to disrupt CETP protein function with a negative predictive value of 80%. In summary, the available evidence is currently insufficient to determine the role of this variant in disease. Therefore, it has been classified as a Variant of Uncertain Significance.

NM_000078.3(CETP):c.1086G>A (p.Met362Ile)

Gene: CETP (cholesteryl ester transfer protein; plus strand). Cytogenetic location: 16q13.
Variant type: single nucleotide variant.
Coding change: c.1086G>A on transcript NM_000078.3 (MANE Select); coding-DNA position 1086, G replaced by A.
Protein change: p.Met362Ile; replaces methionine 362 with isoleucine.
Molecular consequence: missense variant.
Genome position (GRCh38, 1-based): chr16:56,978,195, G>A. VCF-style: chr16-56978195-G-A. GRCh37 (hg19) VCF-style: chr16-57012107-G-A.
Other names: c.906G>A, p.Met302Ile (NM_001286085.2); short protein forms M302I, M362I.
Identifiers: ClinVar variation 4708687 (VCV004708687.1).